The following is an entry in ClinVar:

ClinVar aggregate classification (germline): Benign (1 of 4 stars; one submission).

Allele frequency attached by ClinVar (database versions not stated): ExAC 0.00012; gnomAD exomes 0.00013; gnomAD 0.00003; TOPMed 0.00005.
gnomAD v4.1: 42 of 1,423,596 alleles (0.003%); highest among the groups gnomAD compares: Admixed American, 0.061%; no homozygotes.

Submission:

Women's Health and Genetics/Laboratory Corporation of America, LabCorp
Classification: Benign. Last evaluated: 2020-10-26. Review status: criteria provided, single submitter. Criteria: LabCorp Variant Classification Summary - May 2015. Collection method: clinical testing. Allele origin: germline.
Comment: Variant summary: SOS2 c.-4G>A is located in the untranslated mRNA region upstream of the initiation codon. The variant allele was found at a frequency of 0.00013 in 176686 control chromosomes, predominantly at a frequency of 0.00075 within the Latino subpopulation in the gnomAD database. The observed variant frequency within Latino control individuals in the gnomAD database is approximately 300 fold of the estimated maximal expected allele frequency for a pathogenic variant in SOS2 causing Noonan Syndrome phenotype (2.5e-06), strongly suggesting that the variant is a benign polymorphism found primarily in populations of Latino origin. To our knowledge, no occurrence of c.-4G>A in individuals affected with Noonan Syndrome and no experimental evidence demonstrating its impact on protein function have been reported. No clinical diagnostic laboratories have submitted clinical-significance assessments for this variant to ClinVar after 2014. Based on the evidence outlined above, the variant was classified as benign.

NM_006939.4(SOS2):c.-4G>A

Genes: SOS2 (SOS Ras/Rho guanine nucleotide exchange factor 2; minus strand), LOC130055588 (ATAC-STARR-seq lymphoblastoid silent region 5718; plus strand). Cytogenetic location: 14q21.3.
Variant type: single nucleotide variant.
Coding change: c.-4G>A on transcript NM_006939.4 (MANE Select); 4 bases upstream of the start codon, G replaced by A.
Molecular consequence: 5 prime UTR variant.
Genome position (GRCh38, 1-based): chr14:50,231,287, C>T on the plus strand (G>A on the coding strand, the complement: SOS2 is on the minus strand). VCF-style: chr14-50231287-C-T. GRCh37 (hg19) VCF-style: chr14-50698005-C-T.
Identifiers: ClinVar variation 984528 (VCV000984528.1), dbSNP rs777488196, ClinGen allele CA7177667.